The following is an entry in ClinVar:

ClinVar aggregate classification (germline): Uncertain significance (1 of 4 stars; one submission).

Submission:

Labcorp Genetics (formerly Invitae), Labcorp
Classification: Uncertain significance. Last evaluated: 2023-06-27. Review status: criteria provided, single submitter. Criteria: Invitae Variant Classification Sherloc (09022015). Collection method: clinical testing. Allele origin: germline.
Comment: This variant has not been reported in the literature in individuals affected with FBN3-related conditions. An algorithm developed to predict the effect of missense changes on protein structure and function (PolyPhen-2) suggests that this variant is likely to be disruptive. This variant is not present in population databases (gnomAD no frequency). In summary, the available evidence is currently insufficient to determine the role of this variant in disease. Therefore, it has been classified as a Variant of Uncertain Significance. This sequence change replaces leucine, which is neutral and non-polar, with valine, which is neutral and non-polar, at codon 209 of the FBN3 protein (p.Leu209Val).

NM_032447.5(FBN3):c.625C>G (p.Leu209Val)

Gene: FBN3 (fibrillin 3; minus strand). Cytogenetic location: 19p13.2.
Variant type: single nucleotide variant.
Coding change: c.625C>G on transcript NM_032447.5 (MANE Select); coding-DNA position 625, C replaced by G.
Protein change: p.Leu209Val; replaces leucine 209 with valine.
Molecular consequence: missense variant.
Genome position (GRCh38, 1-based): chr19:8,142,054, G>C on the plus strand (C>G on the coding strand, the complement: FBN3 is on the minus strand). VCF-style: chr19-8142054-G-C. GRCh37 (hg19) VCF-style: chr19-8206938-G-C.
Other names: c.625C>G, p.Leu209Val (NM_001321431.2); short protein forms L209V.
Identifiers: ClinVar variation 2789334 (VCV002789334.3), dbSNP rs2512323082, ClinGen allele CA403720554.